The following is an entry in ClinVar:

ClinVar aggregate classification (germline): Uncertain significance (1 of 4 stars; one submission).

Allele frequency attached by ClinVar (database versions not stated): gnomAD exomes below 0.00001; gnomAD 0.00001.
gnomAD v4.1: 3 of 1,606,662 alleles (0.00019%); highest among the groups gnomAD compares: Non-Finnish European, 0.00025%; no homozygotes.

Submission:

Labcorp Genetics (formerly Invitae), Labcorp
Classification: Uncertain significance. Last evaluated: 2024-01-22. Review status: criteria provided, single submitter. Criteria: Invitae Variant Classification Sherloc (09022015). Collection method: clinical testing. Allele origin: germline.
Comment: This sequence change replaces aspartic acid, which is acidic and polar, with glycine, which is neutral and non-polar, at codon 673 of the ERBIN protein (p.Asp673Gly). This variant is not present in population databases (gnomAD no frequency). This variant has not been reported in the literature in individuals affected with ERBIN-related conditions. An algorithm developed to predict the effect of missense changes on protein structure and function (PolyPhen-2) suggests that this variant is likely to be disruptive. In summary, the available evidence is currently insufficient to determine the role of this variant in disease. Therefore, it has been classified as a Variant of Uncertain Significance.

NM_001253697.2(ERBIN):c.2018A>G (p.Asp673Gly)

Gene: ERBIN (erbb2 interacting protein; plus strand). Cytogenetic location: 5q12.3.
Variant type: single nucleotide variant.
Coding change: c.2018A>G on transcript NM_001253697.2 (MANE Select); coding-DNA position 2018, A replaced by G.
Protein change: p.Asp673Gly; replaces aspartic acid 673 with glycine.
Molecular consequence: missense variant.
Genome position (GRCh38, 1-based): chr5:66,050,897, A>G. VCF-style: chr5-66050897-A-G. GRCh37 (hg19) VCF-style: chr5-65346725-A-G.
Other names: c.2018A>G, p.Asp673Gly (NM_001006600.3, NM_001253698.2, NM_001253699.2 and 1 more transcripts); c.2006A>G, p.Asp669Gly (NM_001253701.2); short protein forms D669G, D673G.
Identifiers: ClinVar variation 2710737 (VCV002710737.3), dbSNP rs1297068724, ClinGen allele CA359863948.
Genomic context (GRCh38, chr5:66,050,897, plus strand): 5'-AGAATAACAGCAATTGTTCTTCTCCATCTCGGATGTCTGATTCAGTTTCTCTTAATACTG[A>G]TAGTAGTCAAGACACCTCACTCTGCTCTCCAGTGAAACAAACTCATATTGATATTAATTC-3'
Protein context (NP_001240626.1, residues 663-683): RMSDSVSLNT[Asp673Gly]SSQDTSLCSP